The following is an entry in ClinVar:

ClinVar aggregate classification (germline): Uncertain significance (1 of 4 stars; one submission).

Submission:

Labcorp Genetics (formerly Invitae), Labcorp
Classification: Uncertain significance. Last evaluated: 2024-12-09. Review status: criteria provided, single submitter. Criteria: Invitae Variant Classification Sherloc (09022015). Collection method: clinical testing. Allele origin: germline.
Comment: This sequence change replaces leucine, which is neutral and non-polar, with valine, which is neutral and non-polar, at codon 277 of the RNF168 protein (p.Leu277Val). This variant is not present in population databases (gnomAD no frequency). This variant has not been reported in the literature in individuals affected with RNF168-related conditions. ClinVar contains an entry for this variant (Variation ID: 1396411). An algorithm developed to predict the effect of missense changes on protein structure and function (PolyPhen-2) suggests that this variant is likely to be disruptive. In summary, the available evidence is currently insufficient to determine the role of this variant in disease. Therefore, it has been classified as a Variant of Uncertain Significance.

NM_152617.4(RNF168):c.829C>G (p.Leu277Val)

Gene: RNF168 (ring finger protein 168; minus strand). Cytogenetic location: 3q29.
Variant type: single nucleotide variant.
Coding change: c.829C>G on transcript NM_152617.4 (MANE Select); coding-DNA position 829, C replaced by G.
Protein change: p.Leu277Val; replaces leucine 277 with valine.
Molecular consequence: missense variant.
Genome position (GRCh38, 1-based): chr3:196,472,706, G>C on the plus strand (C>G on the coding strand, the complement: RNF168 is on the minus strand). VCF-style: chr3-196472706-G-C. GRCh37 (hg19) VCF-style: chr3-196199577-G-C.
Other names: short protein forms L277V.
Identifiers: ClinVar variation 1396411 (VCV001396411.8), dbSNP rs2108644206, ClinGen allele CA355618261.
Genomic context (GRCh38, chr3:196,472,706, plus strand): 5'-GGGACTCTATTGAAGAATCTGCACCTTGTTCTCCAACTCCAAGGGATATCTGTGGAGAAA[G>C]TGTCGGCATATCTTCTATTTCTGTGTCTTGCCCTGTTGGGCTTTTCCTATCACTACTGTC-3'
Protein context (NP_689830.2, residues 267-287): QDTEIEDMPT[Leu277Val]SPQISLGVGE